The following is an entry in ClinVar:

NM_006904.7(PRKDC):c.10711T>G (p.Phe3571Val)

Gene: PRKDC (protein kinase, DNA-activated, catalytic subunit; minus strand). Cytogenetic location: 8q11.21.
Variant type: single nucleotide variant.
Coding change: c.10711T>G on transcript NM_006904.7 (MANE Select); coding-DNA position 10711, T replaced by G.
Protein change: p.Phe3571Val; replaces phenylalanine 3571 with valine.
Molecular consequence: missense variant.
Genome position (GRCh38, 1-based): chr8:47,789,198, A>C on the plus strand (T>G on the coding strand, the complement: PRKDC is on the minus strand). VCF-style: chr8-47789198-A-C. GRCh37 (hg19) VCF-style: chr8-48701759-A-C.
Other names: c.10711T>G, p.Phe3571Val (NM_001081640.2); short protein forms F3571V.
Identifiers: ClinVar variation 3225707 (VCV003225707.1), dbSNP rs2551861410, ClinGen allele CA371132433.

ClinVar aggregate classification (germline): Uncertain significance (1 of 4 stars; one submission).

Submission:

Ambry Genetics
Classification: Uncertain significance. Last evaluated: 2023-12-29. Review status: criteria provided, single submitter. Criteria: Ambry Variant Classification Scheme 2023. Collection method: clinical testing. Allele origin: germline.
Comment: The p.F3571V variant (also known as c.10711T>G), located in coding exon 75 of the PRKDC gene, results from a T to G substitution at nucleotide position 10711. The phenylalanine at codon 3571 is replaced by valine, an amino acid with highly similar properties. This amino acid position is conserved. In addition, this alteration is predicted to be deleterious by in silico analysis. Since supporting evidence is limited at this time, the clinical significance of this alteration remains unclear.